The following is an entry in ClinVar:

ClinVar aggregate classification (germline): Uncertain significance. Review status: criteria provided, multiple submitters, no conflicts (2 of 4 stars). 3 submissions from 3 submitters: Uncertain significance (3). Last evaluated 2023-12-13.

Conditions:
Inborn genetic diseases. Identifiers: MedGen C0950123, MeSH D030342.
Nemaline myopathy 2 (NEM2). Also called: Nemaline myopathy 2, autosomal recessive. Identifiers: MedGen C1850569, MONDO:0009725, OMIM 256030.

Allele frequency attached by ClinVar (database versions not stated): gnomAD 0.00002; gnomAD exomes 0.00002 and 0.00004; TOPMed 0.00006.
gnomAD v4.1: 70 of 1,613,850 alleles (0.0043%); highest among the groups gnomAD compares: Non-Finnish European, 0.0052%; no homozygotes.

Submissions (3):

Ambry Genetics
Classification: Uncertain significance for Inborn genetic diseases. Last evaluated: 2023-12-13. Review status: criteria provided, single submitter. Criteria: Ambry Variant Classification Scheme 2023. Collection method: clinical testing. Allele origin: germline.

Labcorp Genetics (formerly Invitae), Labcorp
Classification: Uncertain significance for Nemaline myopathy 2. Last evaluated: 2022-09-27. Review status: criteria provided, single submitter. Criteria: Invitae Variant Classification Sherloc (09022015). Collection method: clinical testing. Allele origin: germline.
Comment: This sequence change replaces lysine, which is basic and polar, with arginine, which is basic and polar, at codon 4048 of the NEB protein (p.Lys4048Arg). This variant is present in population databases (no rsID available, gnomAD 0.005%). This variant has not been reported in the literature in individuals affected with NEB-related conditions. ClinVar contains an entry for this variant (Variation ID: 1505457). Algorithms developed to predict the effect of missense changes on protein structure and function are either unavailable or do not agree on the potential impact of this missense change (SIFT: "Deleterious"; PolyPhen-2: "Not Available"; Align-GVGD: "Class C0"). In summary, the available evidence is currently insufficient to determine the role of this variant in disease. Therefore, it has been classified as a Variant of Uncertain Significance.

Revvity Omics, Revvity
Classification: Uncertain significance. Last evaluated: 2022-03-16. Review status: criteria provided, single submitter. Criteria: ACMG Guidelines, 2015. Collection method: clinical testing. Allele origin: germline.

NM_001164508.2(NEB):c.12143A>G (p.Lys4048Arg)

Gene: NEB (nebulin; minus strand). Cytogenetic location: 2q23.3.
Variant type: single nucleotide variant.
Coding change: c.12143A>G on transcript NM_001164508.2 (MANE Select); coding-DNA position 12143, A replaced by G.
Protein change: p.Lys4048Arg; replaces lysine 4048 with arginine.
Molecular consequence: missense variant.
Genome position (GRCh38, 1-based): chr2:151,609,996, T>C on the plus strand (A>G on the coding strand, the complement: NEB is on the minus strand). VCF-style: chr2-151609996-T-C. GRCh37 (hg19) VCF-style: chr2-152466510-T-C.
Other names: c.12143A>G, p.Lys4048Arg (NM_001164507.2, NM_001271208.2); c.11414A>G, p.Lys3805Arg (NM_004543.5); c.11414A>G (NM_004543.4); short protein forms K4048R, K3805R.
Identifiers: ClinVar variation 1505457 (VCV001505457.6), dbSNP rs1284970605, ClinGen allele CA348777467.